The following is an entry in ClinVar:

ClinVar aggregate classification (germline): Benign (1 of 4 stars; one submission).

Conditions:
Hyper-IgE recurrent infection syndrome 1, autosomal dominant. Also called: HYPER-IgE SYNDROME 1, AUTOSOMAL DOMINANT, WITH RECURRENT INFECTIONS; JOB SYNDROME; Job's Syndrome; STAT3 Hyper IgE Syndrome; Hyper-IgE recurrent infection syndrome 1. Identifiers: Orphanet 2314, MedGen C2936739, MONDO:0007818, OMIM 147060.

Allele frequency attached by ClinVar (database versions not stated): gnomAD 0.00005 and 0.00030; TOPMed 0.00007; gnomAD exomes 0.00021; 1000 Genomes Project 30x 0.00234; 1000 Genomes Project 0.00260.
gnomAD v4.1: 62 of 231,118 alleles (0.027%); highest among the groups gnomAD compares: South Asian, 0.84%; 2 homozygotes.

Submission:

Illumina Laboratory Services, Illumina
Classification: Benign for Hyper-IgE recurrent infection syndrome 1, autosomal dominant. Last evaluated: 2018-01-12. Review status: criteria provided, single submitter. Criteria: ICSL Variant Classification Criteria 13 December 2019. Collection method: clinical testing. Allele origin: germline.
Comment: This variant was observed in the ICSL laboratory as part of a predisposition screen in an ostensibly healthy population. It had not been previously curated by ICSL or reported in the Human Gene Mutation Database (HGMD: prior to June 1st, 2018), and was therefore a candidate for classification through an automated scoring system. Utilizing variant allele frequency, disease prevalence and penetrance estimates, and inheritance mode, an automated score was calculated to assess if this variant is too frequent to cause the disease. Based on the score and internal cut-off values, a variant classified as benign is not then subjected to further curation. The score for this variant resulted in a classification of benign for this disease.

NM_139276.3(STAT3):c.*1125G>A

Gene: STAT3 (signal transducer and activator of transcription 3; minus strand). Cytogenetic location: 17q21.2.
Variant type: single nucleotide variant.
Coding change: c.*1125G>A on transcript NM_139276.3 (MANE Select); 1125 bases downstream of the stop codon, G replaced by A.
Molecular consequence: 3 prime UTR variant.
Genome position (GRCh38, 1-based): chr17:42,314,620, C>T on the plus strand (G>A on the coding strand, the complement: STAT3 is on the minus strand). VCF-style: chr17-42314620-C-T. GRCh37 (hg19) VCF-style: chr17-40466638-C-T.
Other names: c.*1125G>A (NM_001369512.1, NM_001369513.1, NM_001369514.1 and 10 more transcripts); c.*1219G>A (NM_001369517.1, NM_001369518.1, NM_001369519.1 and 4 more transcripts).
Identifiers: ClinVar variation 323228 (VCV000323228.5), dbSNP rs377364072, ClinGen allele CA10639654.
Genomic context (GRCh38, chr17:42,314,620, plus strand): 5'-GAAACAGCAGATCAAGTCCAGGGAGAAAGGGAGTCAAGGTTGTAAGCACCCTCTGCCCAG[C>T]CTTACTCACTAAAAGGCCAATACATTACAAAGGAAAATAAGTCTATTTATAAAAAAAAGT-3'